The following is an entry in ClinVar:

NM_013275.6(ANKRD11):c.4387G>C (p.Glu1463Gln)

Gene: ANKRD11 (ankyrin repeat domain 11; minus strand). Cytogenetic location: 16q24.3.
Variant type: single nucleotide variant.
Coding change: c.4387G>C on transcript NM_013275.6 (MANE Select); coding-DNA position 4387, G replaced by C.
Protein change: p.Glu1463Gln; replaces glutamic acid 1463 with glutamine.
Molecular consequence: missense variant.
Genome position (GRCh38, 1-based): chr16:89,282,155, C>G on the plus strand (G>C on the coding strand, the complement: ANKRD11 is on the minus strand). VCF-style: chr16-89282155-C-G. GRCh37 (hg19) VCF-style: chr16-89348563-C-G.
Other names: c.4387G>C, p.Glu1463Gln (NM_001256182.2, NM_001256183.2); c.4387G>C (NM_013275.4); short protein forms E1463Q.
Identifiers: ClinVar variation 3371327 (VCV003371327.2).
Genomic context (GRCh38, chr16:89,282,155, plus strand): 5'-CATCCGCATGCCTGTCCCGGTGCCTCTCCTTCTCGTCTCTCCATTTCTCCCTGTGTTTCT[C>G]TCTCTTCTTCTTCTCTTTTAGGATGTTGATGGCACTAGATCCATAAGGCTTTAGTTCCTT-3'
Protein context (NP_037407.4, residues 1453-1473): INILKEKKKR[Glu1463Gln]KHREKWRDEK

ClinVar aggregate classification (germline): Uncertain significance. Review status: criteria provided, multiple submitters, no conflicts (2 of 4 stars). 2 submissions from 2 submitters: Uncertain significance (2). Last evaluated 2026-04-11.

Conditions:
Inborn genetic diseases. Identifiers: MedGen C0950123, MeSH D030342.

Submissions (2):

Ambry Genetics
Classification: Uncertain significance for Inborn genetic diseases. Last evaluated: 2026-04-11. Review status: criteria provided, single submitter. Criteria: Ambry Variant Classification Scheme 2023. Collection method: clinical testing. Allele origin: germline.

GeneDx
Classification: Uncertain significance. Last evaluated: 2024-03-26. Review status: criteria provided, single submitter. Criteria: GeneDx Variant Classification Process June 2021. Collection method: clinical testing. Allele origin: germline. Affected: yes.
Comment: Not observed at significant frequency in large population cohorts (gnomAD); In silico analysis supports that this missense variant does not alter protein structure/function; Has not been previously published as pathogenic or benign to our knowledge